The following is an entry in ClinVar:

NM_004660.5(DDX3Y):c.948C>T (p.His316=)

Gene: DDX3Y (DEAD-box helicase 3 Y-linked; plus strand). Cytogenetic location: Yq11.221.
Variant type: single nucleotide variant.
Coding change: c.948C>T on transcript NM_004660.5 (MANE Select); coding-DNA position 948, C replaced by T.
Protein change: p.His316=; no amino-acid change (histidine 316 retained).
Molecular consequence: synonymous variant. On other transcripts: non-coding transcript variant (9).
Genome position (GRCh38, 1-based): chrY:12,915,156, C>T. VCF-style: chrY-12915156-C-T. GRCh37 (hg19) VCF-style: chrY-15027068-C-T.
Other names: c.948C>T, p.His316= (NM_001122665.3, NM_001324195.2); c.939C>T, p.His313= (NM_001302552.3).
Identifiers: ClinVar variation 3341726 (VCV003341726.16).

ClinVar aggregate classification (germline): Likely benign (1 of 4 stars; one submission).

Submission:

CeGaT Center for Human Genetics Tuebingen
Classification: Likely benign. Last evaluated: 2024-08-01. Review status: criteria provided, single submitter. Criteria: CeGaT Center For Human Genetics Tuebingen Variant Classification Criteria Version 2. Collection method: clinical testing. Allele origin: germline. Affected: yes. Observed: 1 variant allele.
Comment: DDX3Y: PM2:Supporting, BP4, BP7